The following is an entry in ClinVar:

ClinVar aggregate classification (germline): Pathogenic. Review status: criteria provided, multiple submitters, no conflicts (2 of 4 stars). 4 submissions from 4 submitters: Pathogenic (4). Last evaluated 2026-03-26.

Conditions:
Aniridia 1 (AN1). Identifiers: Orphanet 250923, MedGen C0344542, MONDO:0024507, OMIM 106210.
Irido-corneo-trabecular dysgenesis (ASGD5). Also called: ANTERIOR SEGMENT DYSGENESIS 5. Identifiers: Orphanet 708, MedGen C0344559, MONDO:0011414, OMIM 604229, HP:0000659.

Submissions (4):

GeneDx
Classification: Pathogenic. Last evaluated: 2026-03-26. Review status: criteria provided, single submitter. Criteria: GeneDx Variant Classification Process June 2021. Collection method: clinical testing. Allele origin: germline.
Comment: Identified in patients with clinical features consistent with a PAX6-related disorder referred for genetic testing at GeneDx and in published literature (PMID: 18241071, 29618921); Nonsense variant predicted to result in protein truncation or nonsense mediated decay in a gene for which loss of function is a known mechanism of disease; Not observed at significant frequency in large population cohorts (gnomAD); This variant is associated with the following publications: (PMID: 25525159, 18241071, 27307692, 29618921, 32467297, 29808941, Kundu2026[article], 32360764)

Wessex Regional Genetics Laboratory, Salisbury District Hospital
Classification: Pathogenic for Aniridia 1. Last evaluated: 2019-08-15. Review status: criteria provided, single submitter. Criteria: ACMG Guidelines, 2015. Collection method: clinical testing. Allele origin: unknown, de novo. Inheritance: Autosomal dominant inheritance. Affected: yes. Observed: 2 variant alleles.

Labcorp Genetics (formerly Invitae), Labcorp
Classification: Pathogenic for Aniridia 1; Irido-corneo-trabecular dysgenesis. Last evaluated: 2017-11-04. Review status: criteria provided, single submitter. Criteria: Invitae Variant Classification Sherloc (09022015). Collection method: clinical testing. Allele origin: germline.
Comment: This sequence change creates a premature translational stop signal (p.Glu109*) in the PAX6 gene. It is expected to result in an absent or disrupted protein product. For these reasons, this variant has been classified as Pathogenic. Loss-of-function variants in PAX6 are known to be pathogenic (PMID: 12634864). This variant has been reported in individuals affected with aniridia (PMID: 18241071) and bilateral congenital cataracts (PMID: 27307692). It has also been reported as p.Glu123*. This variant is not present in population databases (ExAC no frequency).

Genetics and Molecular Pathology, SA Pathology
Classification: Pathogenic for Aniridia 1. Last evaluated: 2017-08-02. Review status: criteria provided, single submitter. Criteria: ACMG Guidelines, 2015. Collection method: clinical testing. Allele origin: unknown. Inheritance: Autosomal dominant inheritance. Affected: yes. Observed: 1 variant allele, 1 heterozygote. Study: ANZRAG.

Literature cited by the submitters: PubMed 12634864 (cited by Labcorp Genetics (formerly Invitae), Labcorp); PubMed 18241071 (cited by Labcorp Genetics (formerly Invitae), Labcorp); PubMed 27307692 (cited by Labcorp Genetics (formerly Invitae), Labcorp).

NM_001368894.2(PAX6):c.367G>T (p.Glu123Ter)

Gene: PAX6 (paired box 6; minus strand). Cytogenetic location: 11p13.
Variant type: single nucleotide variant.
Coding change: c.367G>T on transcript NM_001368894.2 (MANE Select); coding-DNA position 367, G replaced by T.
Protein change: p.Glu123Ter; replaces glutamic acid 123 with a stop codon.
Molecular consequence: nonsense. On other transcripts: 5 prime UTR variant (14), intron variant (8), non-coding transcript variant (2).
Genome position (GRCh38, 1-based): chr11:31,801,593, C>A on the plus strand (G>T on the coding strand, the complement: PAX6 is on the minus strand). VCF-style: chr11-31801593-C-A. GRCh37 (hg19) VCF-style: chr11-31823141-C-A.
Other names: c.325G>T, p.Glu109Ter (NM_000280.6, NM_001127612.3, NM_001258464.2 and 10 more transcripts); c.-84G>T (NM_001368904.2, NM_001368906.2, NM_001368907.2 and 8 more transcripts); c.-415G>T (NM_001368905.2, NM_001310160.2, NM_001368902.2); c.568G>T, p.Glu190Ter (NM_001368910.2); c.370G>T, p.Glu124Ter (NM_001368911.2); c.367G>T, p.Glu123Ter (NM_001368912.2, NM_001368913.2, NM_001368914.2 and 6 more transcripts); c.198+169G>T (NM_001368923.2, NM_001368926.2, NM_001368927.2 and 4 more transcripts); c.156+169G>T (NM_001368928.2); and 2 more; short protein forms E109*, E123*, E124*, E190*, E134*, E148*.
Identifiers: ClinVar variation 492993 (VCV000492993.12), dbSNP rs1554985305, ClinGen allele CA379958503.